The following is an entry in ClinVar:

NM_001042492.3(NF1):c.6758G>A (p.Gly2253Glu)

Gene: NF1 (neurofibromin 1; plus strand). Cytogenetic location: 17q11.2.
Variant type: single nucleotide variant.
Coding change: c.6758G>A on transcript NM_001042492.3 (MANE Select); coding-DNA position 6758, G replaced by A.
Protein change: p.Gly2253Glu; replaces glycine 2253 with glutamic acid.
Molecular consequence: missense variant.
Genome position (GRCh38, 1-based): chr17:31,338,078, G>A. VCF-style: chr17-31338078-G-A. GRCh37 (hg19) VCF-style: chr17-29665096-G-A.
Other names: c.6695G>A, p.Gly2232Glu (NM_000267.4); short protein forms G2232E, G2253E.
Identifiers: ClinVar variation 231680 (VCV000231680.11), dbSNP rs876659295, ClinGen allele CA10580387.

ClinVar aggregate classification (germline): Uncertain significance. Review status: criteria provided, multiple submitters, no conflicts (2 of 4 stars). 3 submissions from 3 submitters: Uncertain significance (3). Last evaluated 2025-09-20.
ClinVar aggregate classification (somatic clinical impact): Tier I - Strong (1 of 4 stars; one submission).

Conditions:
Hereditary cancer-predisposing syndrome. Also called: Hereditary Cancer Syndrome; Neoplastic Syndromes, Hereditary; Tumor predisposition; Hereditary neoplastic syndrome. Identifiers: Orphanet 140162, MedGen C0027672, MeSH D009386, MONDO:0015356.
Neurofibromatosis, type 1 (NF1). Also called: Neurofibromatosis, type I; VON RECKLINGHAUSEN DISEASE; NEUROFIBROMATOSIS, TYPE I, SOMATIC; Peripheral type neurofibromatosis. Identifiers: Orphanet 636, MedGen C0027831, MONDO:0018975, OMIM 162200. Disease mechanism: loss of function.
Dysembryoplastic neuroepithelial tumor. Identifiers: Orphanet 251946, MedGen C1266177, MONDO:0005505, HP:0033703.

Submissions (4):

Labcorp Genetics (formerly Invitae), Labcorp
Classification: Uncertain significance for Neurofibromatosis, type 1. Last evaluated: 2025-09-20. Review status: criteria provided, single submitter. Criteria: Invitae Variant Classification Sherloc (09022015). Collection method: clinical testing. Allele origin: germline.
Comment: This sequence change replaces glycine, which is neutral and non-polar, with glutamic acid, which is acidic and polar, at codon 2232 of the NF1 protein (p.Gly2232Glu). This variant is not present in population databases (gnomAD no frequency). This variant has not been reported in the literature in individuals affected with NF1-related conditions. ClinVar contains an entry for this variant (Variation ID: 231680). Invitae Evidence Modeling of protein sequence and biophysical properties (such as structural, functional, and spatial information, amino acid conservation, physicochemical variation, residue mobility, and thermodynamic stability) indicates that this missense variant is expected to disrupt NF1 protein function with a positive predictive value of 95%. In summary, the available evidence is currently insufficient to determine the role of this variant in disease. Therefore, it has been classified as a Variant of Uncertain Significance.

Institute for Genomic Medicine (IGM) Clinical Laboratory, Nationwide Children's Hospital
Classification: Tier I - Strong for Dysembryoplastic neuroepithelial tumor. Assertion type: diagnostic. Clinical significance: supports diagnosis. Last evaluated: 2023-10-11. Review status: criteria provided, single submitter. Criteria: AMP/ASCO/CAP Guidelines, 2017. Collection method: clinical testing. Allele origin: somatic. Affected: yes.
Comment: Variant has Tier I (strong) clinical significance as a diagnostic inclusion criterion in dysembryoplastic neuroepithelial tumor, based on the following evidence: 1) Diagnostic for a specific tumor type/classification based on well-powered studies with expert-level consensus (Evidence Level B; PMIDs: 26810070, 31617914, 23583981).

Genome-Nilou Lab
Classification: Uncertain significance for Neurofibromatosis, type 1. Last evaluated: 2022-03-15. Review status: criteria provided, single submitter. Criteria: ACMG Guidelines, 2015. Collection method: clinical testing. Allele origin: germline. Affected: no.

Ambry Genetics
Classification: Uncertain significance for Hereditary cancer-predisposing syndrome. Last evaluated: 2015-05-06. Review status: criteria provided, single submitter. Criteria: Ambry Autosomal Dominant and X-Linked criteria (10/2015). Collection method: clinical testing. Allele origin: germline. Observed: 1 variant allele.
Comment: Thep.G2253Evariant (also known as c.6758G>A), located in codingexon45 of theNF1gene, results from a G to A substitution at nucleotide position6758. Theglycineatcodon2253 is replaced byglutamicacid, an amino acid with similar properties. This variant was not reported in population basedcohorts in the following databases: Database of Single NucleotidePolymorphisms(dbSNP),NHLBIExomeSequencing Project (ESP), and 1000Genomes Project. In the ESP, this variant was not observed in 6503 samples (13006 alleles) with coverage at this position. To date, this alteration has been detected with an allele frequency of approximately 0.002% (greater than 55000 alleles tested) in our clinical cohort. This amino acid position is highlyconserved in available vertebrate species. In addition, this alteration is predicted to be deleterious by in silico analysis. Since supporting evidence is limited at this time, the clinical significance of p.G2253E remains unclear.

Literature cited by the submitters: PubMed 26810070 (cited by Institute for Genomic Medicine (IGM) Clinical Laboratory, Nationwide Children's Hospital); PubMed 31617914 (cited by Institute for Genomic Medicine (IGM) Clinical Laboratory, Nationwide Children's Hospital); PubMed 23583981 (cited by Institute for Genomic Medicine (IGM) Clinical Laboratory, Nationwide Children's Hospital).